The following is an entry in ClinVar:

NM_001164508.2(NEB):c.11060C>T (p.Ala3687Val)

Gene: NEB (nebulin; minus strand). Cytogenetic location: 2q23.3.
Variant type: single nucleotide variant.
Coding change: c.11060C>T on transcript NM_001164508.2 (MANE Select); coding-DNA position 11060, C replaced by T.
Protein change: p.Ala3687Val; replaces alanine 3687 with valine.
Molecular consequence: missense variant.
Genome position (GRCh38, 1-based): chr2:151,618,291, G>A on the plus strand (C>T on the coding strand, the complement: NEB is on the minus strand). VCF-style: chr2-151618291-G-A. GRCh37 (hg19) VCF-style: chr2-152474805-G-A.
Other names: NM_001164508.2(NEB):c.11060C>T; p.Ala3687Val; c.11060C>T, p.Ala3687Val (NM_001164507.2, NM_001271208.2); c.10331C>T, p.Ala3444Val (NM_004543.5); short protein forms A3444V, A3687V.
Identifiers: ClinVar variation 2434118 (VCV002434118.4), dbSNP rs2098272427, ClinGen allele CA348785668.
Genomic context (GRCh38, chr2:151,618,291, plus strand): 5'-CTGTGGTAACTTTCGGTATCTAACAGTGAGGATTGAAGACTCACCTTATTCATGTTTAAA[G>A]CATTGTTTTTTGCCAGCACCTGCTCCGGAGTGTCCGTTATACTGGTAAATTTCAGCGTTT-3'
Protein context (NP_001157980.2, residues 3677-3697): TPEQVLAKNN[Ala3687Val]LNMNKRLYTE

ClinVar aggregate classification (germline): Uncertain significance. Review status: criteria provided, multiple submitters, no conflicts (2 of 4 stars). 2 submissions from 2 submitters: Uncertain significance (2). Last evaluated 2025-03-17.

Conditions:
Nemaline myopathy. Also called: Myopathies, Nemaline. Identifiers: Orphanet 607, MedGen C0206157, MONDO:0018958.

Allele frequency attached by ClinVar (database versions not stated): gnomAD exomes below 0.00001; gnomAD 0.00001.
gnomAD v4.1: 3 of 1,613,758 alleles (0.00019%); highest among the groups gnomAD compares: Admixed American, 0.0033%; no homozygotes.

Submissions (2):

Broad Center for Mendelian Genomics, Broad Institute of MIT and Harvard
Classification: Uncertain significance for Nemaline myopathy. Last evaluated: 2025-03-17. Review status: criteria provided, single submitter. Criteria: ACMG Guidelines, 2015. Collection method: curation. Allele origin: germline. Inheritance: Autosomal recessive inheritance.
Comment: The p.Ala3687Val variant in NEB has been reported, in the compound heterozygous state, in 1 individual with nemaline myopathy (PMID: 27168972), and has been identified in 0.003% (2/59990) of Latino/Admixed American chromosomes by the Genome Aggregation Database (gnomAD; dbSNP ID: rs2098272427). Although this variant has been seen in the general population in a heterozygous state, its frequency is low enough to be consistent with a recessive carrier frequency. This variant has also been reported in ClinVar (Variation ID: 2434118) and has been interpreted as a variant of uncertain significance by Revvity Omics. Computational prediction tools, including splice predictors, and conservation analyses suggest that this variant may not impact the protein, though this information is not predictive enough to rule out pathogenicity. In summary, the clinical significance of the p.Ala3687Val variant is uncertain. ACMG/AMP Criteria applied: BP4, PM2_supporting (Richards 2015).

Revvity Omics, Revvity
Classification: Uncertain significance. Last evaluated: 2020-10-16. Review status: criteria provided, single submitter. Criteria: ACMG Guidelines, 2015. Collection method: clinical testing. Allele origin: germline.